The following is an entry in ClinVar:

ClinVar aggregate classification (germline): Pathogenic/Likely pathogenic. Review status: criteria provided, multiple submitters, no conflicts (2 of 4 stars). 2 submissions from 2 submitters: Pathogenic (1); Likely pathogenic (1). Last evaluated 2025-02-27.

Conditions:
Glycogen storage disease type III (GSD3). Also called: Cori disease; FORBES DISEASE. Identifiers: Orphanet 366, MedGen C0017922, MONDO:0009291, OMIM 232400.

Allele frequency attached by ClinVar (database versions not stated): gnomAD 0.00001; TOPMed 0.00001.
gnomAD v4.1: 1 of 1,613,508 alleles (0.000062%); highest among the groups gnomAD compares: Non-Finnish European, 0.000085%; no homozygotes.

Submissions (2):

Labcorp Genetics (formerly Invitae), Labcorp
Classification: Pathogenic for Glycogen storage disease type III. Last evaluated: 2025-02-27. Review status: criteria provided, single submitter. Criteria: Invitae Variant Classification Sherloc (09022015). Collection method: clinical testing. Allele origin: germline.
Comment: This sequence change creates a premature translational stop signal (p.Gln997*) in the AGL gene. It is expected to result in an absent or disrupted protein product. Loss-of-function variants in AGL are known to be pathogenic (PMID: 19299494). This variant is not present in population databases (gnomAD no frequency). This premature translational stop signal has been observed in individual(s) with glycogen storage disease type III (PMID: 27106217). ClinVar contains an entry for this variant (Variation ID: 2680889). For these reasons, this variant has been classified as Pathogenic.

Baylor Genetics
Classification: Likely pathogenic for Glycogen storage disease type III. Last evaluated: 2023-10-04. Review status: criteria provided, single submitter. Criteria: ACMG Guidelines, 2015. Collection method: clinical testing. Allele origin: unknown.

Literature cited by the submitters: PubMed 19299494 (cited by Labcorp Genetics (formerly Invitae), Labcorp); PubMed 27106217 (cited by Labcorp Genetics (formerly Invitae), Labcorp).

NM_000642.3(AGL):c.2989C>T (p.Gln997Ter)

Gene: AGL (amylo-alpha-1,6-glucosidase and 4-alpha-glucanotransferase; plus strand). Cytogenetic location: 1p21.2.
Variant type: single nucleotide variant.
Coding change: c.2989C>T on transcript NM_000642.3 (MANE Select); coding-DNA position 2989, C replaced by T.
Protein change: p.Gln997Ter; replaces glutamine 997 with a stop codon.
Molecular consequence: nonsense.
Genome position (GRCh38, 1-based): chr1:99,891,645, C>T. VCF-style: chr1-99891645-C-T. GRCh37 (hg19) VCF-style: chr1-100357201-C-T.
Other names: c.2989C>T (NM_000642.2); c.2989C>T, p.Gln997Ter (NM_000028.3, NM_000643.3, NM_000644.3 and 1 more transcripts); c.2941C>T, p.Gln981Ter (NM_000646.3); c.2968C>T, p.Gln990Ter (NM_001425326.1); c.2788C>T, p.Gln930Ter (NM_001425327.1); c.2785C>T, p.Gln929Ter (NM_001425328.1); c.2650C>T, p.Gln884Ter (NM_001425329.1); c.2611C>T, p.Gln871Ter (NM_001425332.1); short protein forms Q871*, Q884*, Q929*, Q930*, Q981*, Q990*, Q997*.
Identifiers: ClinVar variation 2680889 (VCV002680889.2), dbSNP rs1185515418, ClinGen allele CA341325854.